The following is an entry in ClinVar:

ClinVar aggregate classification (germline): Uncertain significance (1 of 4 stars; one submission).

Conditions:
RASopathy. Also called: rasopathies; Noonan spectrum disorder. Identifiers: Orphanet 536391, MedGen C5555857, MONDO:0021060.

Submission:

Labcorp Genetics (formerly Invitae), Labcorp
Classification: Uncertain significance for RASopathy. Last evaluated: 2023-03-18. Review status: criteria provided, single submitter. Criteria: Invitae Variant Classification Sherloc (09022015). Collection method: clinical testing. Allele origin: germline.
Comment: This variant has not been reported in the literature in individuals affected with SOS1-related conditions. This variant is not present in population databases (gnomAD no frequency). This sequence change replaces histidine, which is basic and polar, with aspartic acid, which is acidic and polar, at codon 1301 of the SOS1 protein (p.His1301Asp). Advanced modeling of protein sequence and biophysical properties (such as structural, functional, and spatial information, amino acid conservation, physicochemical variation, residue mobility, and thermodynamic stability) has been performed at Invitae for this missense variant, however the output from this modeling did not meet the statistical confidence thresholds required to predict the impact of this variant on SOS1 protein function. In summary, the available evidence is currently insufficient to determine the role of this variant in disease. Therefore, it has been classified as a Variant of Uncertain Significance.

NM_005633.4(SOS1):c.3901C>G (p.His1301Asp)

Gene: SOS1 (SOS Ras/Rac guanine nucleotide exchange factor 1; minus strand). Cytogenetic location: 2p22.1.
Variant type: single nucleotide variant.
Coding change: c.3901C>G on transcript NM_005633.4 (MANE Select); coding-DNA position 3901, C replaced by G.
Protein change: p.His1301Asp; replaces histidine 1301 with aspartic acid.
Molecular consequence: missense variant.
Genome position (GRCh38, 1-based): chr2:38,985,925, G>C on the plus strand (C>G on the coding strand, the complement: SOS1 is on the minus strand). VCF-style: chr2-38985925-G-C. GRCh37 (hg19) VCF-style: chr2-39213066-G-C.
Other names: c.3880C>G, p.His1294Asp (NM_001382394.1); c.3856C>G, p.His1286Asp (NM_001382395.1); short protein forms H1294D, H1286D, H1301D.
Identifiers: ClinVar variation 2775876 (VCV002775876.3), dbSNP rs2528869447, ClinGen allele CA346362081.